The following is an entry in ClinVar:

NM_017654.4(SAMD9):c.3368T>C (p.Leu1123Pro)

Gene: SAMD9 (sterile alpha motif domain containing 9; minus strand). Cytogenetic location: 7q21.2.
Variant type: single nucleotide variant.
Coding change: c.3368T>C on transcript NM_017654.4 (MANE Select); coding-DNA position 3368, T replaced by C.
Protein change: p.Leu1123Pro; replaces leucine 1123 with proline.
Molecular consequence: missense variant.
Genome position (GRCh38, 1-based): chr7:93,102,730, A>G on the plus strand (T>C on the coding strand, the complement: SAMD9 is on the minus strand). VCF-style: chr7-93102730-A-G. GRCh37 (hg19) VCF-style: chr7-92732043-A-G.
Other names: c.3368T>C, p.Leu1123Pro (NM_001193307.2); short protein forms L1123P.
Identifiers: ClinVar variation 3437021 (VCV003437021.1).

ClinVar aggregate classification (germline): Uncertain significance (1 of 4 stars; one submission).

Conditions:
Inborn genetic diseases. Identifiers: MedGen C0950123, MeSH D030342.

gnomAD v4.1: 4 of 1,613,718 alleles (0.00025%); highest among the groups gnomAD compares: Non-Finnish European, 0.00034%; no homozygotes.

Submission:

Ambry Genetics
Classification: Uncertain significance for Inborn genetic diseases. Last evaluated: 2024-11-23. Review status: criteria provided, single submitter. Criteria: Ambry Variant Classification Scheme 2023. Collection method: clinical testing. Allele origin: germline.
Comment: The p.L1123P variant (also known as c.3368T>C), located in coding exon 1 of the SAMD9 gene, results from a T to C substitution at nucleotide position 3368. The leucine at codon 1123 is replaced by proline, an amino acid with similar properties. This amino acid position is conserved. In addition, the in silico prediction for this alteration is inconclusive. Based on the available evidence, the clinical significance of this variant remains unclear.